The following is an entry in ClinVar:

ClinVar aggregate classification (germline): Uncertain significance (1 of 4 stars; one submission).

Conditions:
Hydrocephalus, nonsyndromic, autosomal recessive 1 (HYC1). Also called: Congenital hydrocephalus 1; Hydrocephalus, nonsyndromic, autosomal recessive. Identifiers: Orphanet 2185, MedGen C3887608, MONDO:0009360, OMIM 236600.

Submission:

Myriad Genetics, Inc.
Classification: Uncertain significance for Hydrocephalus, nonsyndromic, autosomal recessive 1. Last evaluated: 2025-10-21. Review status: criteria provided, single submitter. Criteria: Myriad Autosomal Dominant, Autosomal Recessive and X-Linked Classification Criteria (2023). Collection method: clinical testing. Allele origin: unknown.
Comment: NM_001080414.3(CCDC88C):c.2494_2496delAAG(K832del) is an in-frame deletion classified as a variant of uncertain significance in the context of congenital hydrocephalus, CCDC88C-related. K832del has not been observed in cases with relevant disease. Relevant functional assessments of this variant are not available in the literature. K832del has been observed in referenced population frequency databases. In summary, there is insufficient evidence to classify NM_001080414.3(CCDC88C):c.2494_2496delAAG(K832del) as pathogenic or benign. Please note: this variant was assessed in the context of healthy population screening.

NM_001080414.4(CCDC88C):c.2494_2496del (p.Lys832del)

Gene: CCDC88C (coiled-coil and HOOK domain protein 88C; minus strand). Cytogenetic location: 14q32.11.
Variant type: Deletion.
Coding change: c.2494_2496del on transcript NM_001080414.4 (MANE Select); coding-DNA positions 2494 to 2496, 3 bases deleted (AAG; older notation c.2494_2496delAAG).
Protein change: p.Lys832del; deletes lysine 832.
Molecular consequence: inframe deletion. On other transcripts: non-coding transcript variant (2).
Genome position (GRCh38, 1-based): chr14:91,313,320-91,313,322, CTT deleted on the plus strand (AAG on the coding strand, the reverse complement: CCDC88C is on the minus strand); deleting any 3 consecutive bases within chr14:91,313,320-91,313,324 gives the same sequence; the c. name uses the placement nearest the transcript's 3' end. VCF-style (leftmost placement, unchanged base first): chr14-91313319-CCTT-C. GRCh37 (hg19) VCF-style: chr14-91779663-CCTT-C.
Other names: short protein forms K832del.
Identifiers: ClinVar variation 5004225 (VCV005004225.1).